The following is an entry in ClinVar:

ClinVar aggregate classification (germline): Uncertain significance. Review status: reviewed by expert panel (3 of 4 stars). 3 submissions from 3 submitters: Uncertain significance (1). 2 of the submissions do not count toward it. Last evaluated 2026-02-06.

Conditions:
Hereditary factor VIII deficiency disease (HEMA). Also called: AUTOSOMAL HEMOPHILIA A; Hemophilia A; Hemophilia A, congenital; HEM A; Factor 8 deficiency, congenital; HEMOPHILIA, CLASSIC. Identifiers: Orphanet 98878, MedGen C0019069, MONDO:0010602, OMIM 306700.

Submissions (3):

ClinGen Coagulation Factor Deficiency Variant Curation Expert Panel, Clingen
Classification: Uncertain significance for Hereditary factor VIII deficiency disease. Last evaluated: 2026-02-06. Review status: reviewed by expert panel. Criteria: ClinGen CoagFactor ACMG Specifications F8 V1.0.0. Collection method: curation. Allele origin: germline. Inheritance: X-linked inheritance.
Comment: The c.6400T>C variant in F8 is a missense variant predicted to cause substitution of tyrosine by histidine at amino acid 2134 (p.Tyr2134His). This variant is absent from gnomAD v2.1.1 (PM2_Supporting). The computational predictor REVEL gives a score of 0.938, which is greater than the ClinGen CFD VCEP cutoff of 0.6 (PP3). This variant has been reported in 1 proband meeting phenotypic criteria for hemophilia A (PS4_Supporting; PMID: 23926300). In summary, this variant meets the criteria to be classified as a variant of uncertain significance for hemophilia A based on the ACMG/AMP criteria applied, as specified by the ClinGen Coagulation Factor Deficiency VCEP v1.0.0 rule specifications: PS4_Supporting, PM2_Supporting, PP3

Women's Health and Genetics/Laboratory Corporation of America, LabCorp
Classification: Uncertain significance. Last evaluated: 2023-07-24. Review status: criteria provided, single submitter. Criteria: LabCorp Variant Classification Summary - May 2015. Collection method: clinical testing. Allele origin: germline. Not counted in ClinVar's aggregate classification.
Comment: Variant summary: F8 c.6400T>C (p.Tyr2134His) results in a conservative amino acid change located in the Coagulation factor 5/8 C-terminal domain (IPR000421) of the encoded protein sequence. Four of five in-silico tools predict a damaging effect of the variant on protein function. The variant was absent in 183180 control chromosomes. The available data on variant occurrences in the general population are insufficient to allow any conclusion about variant significance. c.6400T>C has been reported in the literature in individuals affected with Factor VIII Deficiency (Hemophilia A) (Eckhardt_2013). These data do not allow any conclusion about variant significance. To our knowledge, no experimental evidence demonstrating an impact on protein function has been reported. The following publication have been ascertained in the context of this evaluation (PMID: 23926300). No submitters have cited clinical-significance assessments for this variant to ClinVar after 2014. Based on the evidence outlined above, the variant was classified as uncertain significance.

Mayo Clinic Laboratories, Mayo Clinic
Classification: Likely pathogenic. Last evaluated: 2022-09-19. Review status: criteria provided, single submitter. Criteria: ACMG Guidelines, 2015. Collection method: clinical testing. Allele origin: germline. Observed: 1 variant allele. Not counted in ClinVar's aggregate classification.
Comment: PP3, PM1_supporting, PM2, PS4_moderate

Literature cited by the submitters: PubMed 23926300 (cited by Women's Health and Genetics/Laboratory Corporation of America, LabCorp).

NM_000132.4(F8):c.6400T>C (p.Tyr2134His)

Gene: F8 (coagulation factor VIII; minus strand). Cytogenetic location: Xq28.
Variant type: single nucleotide variant.
Coding change: c.6400T>C on transcript NM_000132.4 (MANE Select); coding-DNA position 6400, T replaced by C.
Protein change: p.Tyr2134His; replaces tyrosine 2134 with histidine.
Molecular consequence: missense variant.
Genome position (GRCh38, 1-based): chrX:154,896,106, A>G on the plus strand (T>C on the coding strand, the complement: F8 is on the minus strand). VCF-style: chrX-154896106-A-G. GRCh37 (hg19) VCF-style: chrX-154124381-A-G.
Other names: p.Tyr2134His; NM_000132.4(F8):c.6400T>C; short protein forms Y2134H.
Identifiers: ClinVar variation 2577224 (VCV002577224.3), dbSNP rs2523876717, ClinGen allele CA414899457.